The following is an entry in ClinVar:

ClinVar aggregate classification (germline): Uncertain significance (1 of 4 stars; one submission).

Submission:

Labcorp Genetics (formerly Invitae), Labcorp
Classification: Uncertain significance. Last evaluated: 2023-07-27. Review status: criteria provided, single submitter. Criteria: Invitae Variant Classification Sherloc (09022015). Collection method: clinical testing. Allele origin: germline.
Comment: In summary, the available evidence is currently insufficient to determine the role of this variant in disease. Therefore, it has been classified as a Variant of Uncertain Significance. Advanced modeling of protein sequence and biophysical properties (such as structural, functional, and spatial information, amino acid conservation, physicochemical variation, residue mobility, and thermodynamic stability) performed at Invitae indicates that this missense variant is not expected to disrupt TULP1 protein function. This variant has not been reported in the literature in individuals affected with TULP1-related conditions. This variant is not present in population databases (gnomAD no frequency). This sequence change replaces lysine, which is basic and polar, with threonine, which is neutral and polar, at codon 260 of the TULP1 protein (p.Lys260Thr).

NM_003322.6(TULP1):c.779A>C (p.Lys260Thr)

Gene: TULP1 (TUB like protein 1; minus strand). Cytogenetic location: 6p21.31.
Variant type: single nucleotide variant.
Coding change: c.779A>C on transcript NM_003322.6 (MANE Select); coding-DNA position 779, A replaced by C.
Protein change: p.Lys260Thr; replaces lysine 260 with threonine.
Molecular consequence: missense variant.
Genome position (GRCh38, 1-based): chr6:35,509,252, T>G on the plus strand (A>C on the coding strand, the complement: TULP1 is on the minus strand). VCF-style: chr6-35509252-T-G. GRCh37 (hg19) VCF-style: chr6-35477029-T-G.
Other names: c.620A>C, p.Lys207Thr (NM_001289395.2); short protein forms K260T, K207T.
Identifiers: ClinVar variation 2747419 (VCV002747419.3), dbSNP rs2533802238, ClinGen allele CA363781196.
Genomic context (GRCh38, chr6:35,509,252, plus strand): 5'-CCCCTCTGGGCCCCAACCTTTTTGCCTTTTCCTTTGGCTTTGCCCTTTTGATTGCTCTTC[T>G]TTATCACCGTAGCTGCCTCCTCCTCCTCTTCTTCCTCCTTCCTCGCGCCTTTGGGAGTGC-3'
Protein context (NP_003313.3, residues 250-270): EEEEEAATVI[Lys260Thr]KSNQKGKAKG